The following is an entry in ClinVar:

NM_002541.4(OGDH):c.474C>T (p.Asp158=)

Gene: OGDH (oxoglutarate dehydrogenase; plus strand). Cytogenetic location: 7p13.
Variant type: single nucleotide variant.
Coding change: c.474C>T on transcript NM_002541.4 (MANE Select); coding-DNA position 474, C replaced by T.
Protein change: p.Asp158=; no amino-acid change (aspartic acid 158 retained).
Molecular consequence: synonymous variant. On other transcripts: intron variant (2).
Genome position (GRCh38, 1-based): chr7:44,647,716, C>T. VCF-style: chr7-44647716-C-T. GRCh37 (hg19) VCF-style: chr7-44687315-C-T.
Other names: c.474C>T (NM_001003941.2); c.474C>T, p.Asp158= (NM_001003941.3); c.505+182C>T (NM_001363523.2, NM_001165036.2).
Identifiers: ClinVar variation 721330 (VCV000721330.10), dbSNP rs140338378, ClinGen allele CA4243570.
Genomic context (GRCh38, chr7:44,647,716, plus strand): 5'-GATACGAGGGCACCATGTAGCACAGCTGGACCCCCTGGGGATTTTGGATGCTGATCTGGA[C>T]TCCTCCGTGCCCGCTGACATTATCTCATCCACAGACAAACTTGGTGAGGGTCTGAGAGCA-3'
Protein context (NP_002532.2, residues 148-168): DPLGILDADL[Asp158=]SSVPADIISS

ClinVar aggregate classification (germline): Likely benign. Review status: criteria provided, single submitter (1 of 4 stars). 2 submissions from 2 submitters: Likely benign (1). 1 of the submissions does not count toward it. Last evaluated 2022-11-29.

Conditions:
OGDH-related disorder. Also called: OGDH-related condition.
Oxoglutaricaciduria. Identifiers: Orphanet 31, MedGen C2752074, MONDO:0008759, OMIM 203740.

Allele frequency attached by ClinVar (database versions not stated): gnomAD 0.00010 and 0.00018; 1000 Genomes Project 0.00100; TOPMed 0.00013; 1000 Genomes Project 30x 0.00078; ExAC 0.00009.
gnomAD v4.1: 369 of 1,614,050 alleles (0.023%); highest among the groups gnomAD compares: East Asian, 0.78%; 5 homozygotes.

Submissions (2):

Labcorp Genetics (formerly Invitae), Labcorp
Classification: Likely benign for Oxoglutaricaciduria. Last evaluated: 2022-11-29. Review status: criteria provided, single submitter. Criteria: Invitae Variant Classification Sherloc (09022015). Collection method: clinical testing. Allele origin: germline.

PreventionGenetics, part of Exact Sciences
Classification: Likely benign for OGDH-related condition. Last evaluated: 2022-04-15. Review status: no assertion criteria provided. Collection method: clinical testing. Allele origin: germline. Not counted in ClinVar's aggregate classification.
Comment: This variant is classified as likely benign based on ACMG/AMP sequence variant interpretation guidelines (Richards et al. 2015 PMID: 25741868, with internal and published modifications).